The following is an entry in ClinVar:

NM_000219.6(KCNE1):c.345A>G (p.Ile115Met)

Gene: KCNE1 (potassium voltage-gated channel subfamily E regulatory subunit 1; minus strand). Cytogenetic location: 21q22.12.
Variant type: single nucleotide variant.
Coding change: c.345A>G on transcript NM_000219.6 (MANE Select); coding-DNA position 345, A replaced by G.
Protein change: p.Ile115Met; replaces isoleucine 115 with methionine.
Molecular consequence: missense variant.
Genome position (GRCh38, 1-based): chr21:34,449,290, T>C on the plus strand (A>G on the coding strand, the complement: KCNE1 is on the minus strand). VCF-style: chr21-34449290-T-C. GRCh37 (hg19) VCF-style: chr21-35821588-T-C.
Other names: c.345A>G, p.Ile115Met (NM_001127668.4, NM_001127669.4, NM_001127670.4 and 4 more transcripts); short protein forms I115M.
Identifiers: ClinVar variation 3373780 (VCV003373780.2).

Conditions:
Long QT syndrome 5 (LQT5). Identifiers: Orphanet 101016, Orphanet 768, MedGen C1867904, MONDO:0013372, OMIM 613695.

Submission:

Roden Lab, Vanderbilt University Medical Center
No classification provided (evidence only). Condition: Long QT syndrome 5. Review status: no classification provided. Collection method: in vitro. Allele origin: not applicable. Functional consequence: Effect on ion channel function.
ClinVar note: "not provided" was previously submitted as the classification for the variant. However, the classification appeared to be based only on an observation of functional data so it was converted to no classification on 2025-07-30.